The following is an entry in ClinVar:

NM_014845.6(FIG4):c.1996A>G (p.Lys666Glu)

Gene: FIG4 (FIG4 phosphoinositide 5-phosphatase; plus strand). Cytogenetic location: 6q21.
Variant type: single nucleotide variant.
Coding change: c.1996A>G on transcript NM_014845.6 (MANE Select); coding-DNA position 1996, A replaced by G.
Protein change: p.Lys666Glu; replaces lysine 666 with glutamic acid.
Molecular consequence: missense variant.
Genome position (GRCh38, 1-based): chr6:109,786,349, A>G. VCF-style: chr6-109786349-A-G. GRCh37 (hg19) VCF-style: chr6-110107552-A-G.
Other names: short protein forms K666E.
Identifiers: ClinVar variation 949106 (VCV000949106.9), dbSNP rs781038961, ClinGen allele CA3956259.
Genomic context (GRCh38, chr6:109,786,349, plus strand): 5'-GTATCTCTCTTAGTTATCTGTGCTGTGAACTTAAAGAAGTTGATAGTGAAGAAATTCCAC[A>G]AATATGAAGAAGAGATTGATATCCACAATGAGTTCTTTCGGCCATATGAGTTGAGCAGCT-3'
Protein context (NP_055660.1, residues 656-676): LKKLIVKKFH[Lys666Glu]YEEEIDIHNE

ClinVar aggregate classification (germline): Uncertain significance (1 of 4 stars; one submission).

Conditions:
Charcot-Marie-Tooth disease type 4. Also called: Charcot-Marie-Tooth disease, type IV; Charcot-Marie-Tooth, Type 4. Identifiers: Orphanet 64749, MedGen C4082197, MONDO:0018995.

Allele frequency attached by ClinVar (database versions not stated): gnomAD exomes below 0.00001; ExAC 0.00001.
gnomAD v4.1: 3 of 1,613,612 alleles (0.00019%); highest among the groups gnomAD compares: Non-Finnish European, 0.00025%; no homozygotes.

Submission:

Labcorp Genetics (formerly Invitae), Labcorp
Classification: Uncertain significance for Charcot-Marie-Tooth disease type 4. Last evaluated: 2022-08-10. Review status: criteria provided, single submitter. Criteria: Invitae Variant Classification Sherloc (09022015). Collection method: clinical testing. Allele origin: germline.
Comment: In summary, the available evidence is currently insufficient to determine the role of this variant in disease. Therefore, it has been classified as a Variant of Uncertain Significance. Algorithms developed to predict the effect of missense changes on protein structure and function (SIFT, PolyPhen-2, Align-GVGD) all suggest that this variant is likely to be tolerated. This sequence change replaces lysine, which is basic and polar, with glutamic acid, which is acidic and polar, at codon 666 of the FIG4 protein (p.Lys666Glu). This variant is present in population databases (rs781038961, gnomAD 0.0009%). This variant has not been reported in the literature in individuals affected with FIG4-related conditions. ClinVar contains an entry for this variant (Variation ID: 949106).